The following is an entry in ClinVar:

ClinVar aggregate classification (germline): Likely benign. Review status: criteria provided, multiple submitters, no conflicts (2 of 4 stars). 3 submissions from 3 submitters: Likely benign (3). Last evaluated 2026-02-03.

Conditions:
EPHX1-related disorder. Also called: EPHX1-related condition.

Allele frequency attached by ClinVar (database versions not stated): 1000 Genomes Project 30x 0.00125; TOPMed 0.00130; ESP Exome Variant Server 0.00138; gnomAD 0.00143 and 0.00145; gnomAD exomes 0.00150 and 0.00187; 1000 Genomes Project 0.00160; ExAC 0.00167.
gnomAD v4.1: 2,924 of 1,614,210 alleles (0.18%); highest among the groups gnomAD compares: Non-Finnish European, 0.21%; 1 homozygote.

Submissions (3):

PreventionGenetics, part of Exact Sciences
Classification: Likely benign for EPHX1-related condition. Last evaluated: 2026-02-03. Review status: criteria provided, single submitter. Criteria: ACMG Guidelines, 2015. Collection method: clinical testing. Allele origin: germline.
Comment: This variant is classified as likely benign based on ACMG/AMP sequence variant interpretation guidelines (Richards et al. 2015 PMID: 25741868, with internal and published modifications).

Labcorp Genetics (formerly Invitae), Labcorp
Classification: Likely benign. Last evaluated: 2018-06-18. Review status: criteria provided, single submitter. Criteria: Invitae Variant Classification Sherloc (09022015). Collection method: clinical testing. Allele origin: germline.

Breakthrough Genomics
Classification: Likely benign. Review status: criteria provided, single submitter. Criteria: ACMG Guidelines, 2015. Collection method: not provided. Allele origin: germline. Inheritance: Unknown mechanism. Affected: yes.

NM_001136018.4(EPHX1):c.303T>C (p.Phe101=)

Gene: EPHX1 (epoxide hydrolase 1; plus strand). Cytogenetic location: 1q42.12.
Variant type: single nucleotide variant.
Coding change: c.303T>C on transcript NM_001136018.4 (MANE Select); coding-DNA position 303, T replaced by C.
Protein change: p.Phe101=; no amino-acid change (phenylalanine 101 retained).
Molecular consequence: synonymous variant. On other transcripts: non-coding transcript variant (4).
Genome position (GRCh38, 1-based): chr1:225,831,898, T>C. VCF-style: chr1-225831898-T-C. GRCh37 (hg19) VCF-style: chr1-226019599-T-C.
Other names: c.303T>C, p.Phe101= (NM_000120.4, NM_001291163.2, NM_001378426.1 and 5 more transcripts); c.276T>C, p.Phe92= (NM_001378428.1).
Identifiers: ClinVar variation 721070 (VCV000721070.5), dbSNP rs2234699, ClinGen allele CA1418355.
Genomic context (GRCh38, chr1:225,831,898, plus strand): 5'-CCACTATGGCTTCAACTCCAACTACCTGAAGAAAGTCATCTCCTACTGGCGGAATGAATT[T>C]GACTGGAAGAAGCAGGTGGAGATTCTCAACAGATACCCTCACTTCAAGACTAAGATTGAA-3'
Protein context (NP_001129490.1, residues 91-111): KKVISYWRNE[Phe101=]DWKKQVEILN